The following is an entry in ClinVar:

NM_001035.3(RYR2):c.7195T>G (p.Leu2399Val)

Gene: RYR2 (ryanodine receptor 2; plus strand). Cytogenetic location: 1q43.
Variant type: single nucleotide variant.
Coding change: c.7195T>G on transcript NM_001035.3 (MANE Select); coding-DNA position 7195, T replaced by G.
Protein change: p.Leu2399Val; replaces leucine 2399 with valine.
Molecular consequence: missense variant.
Genome position (GRCh38, 1-based): chr1:237,640,976, T>G. VCF-style: chr1-237640976-T-G. GRCh37 (hg19) VCF-style: chr1-237804276-T-G.
Other names: short protein forms L2399V.
Identifiers: ClinVar variation 1021265 (VCV001021265.48), dbSNP rs1681407618, ClinGen allele CA345396777.

ClinVar aggregate classification (germline): Uncertain significance (1 of 4 stars; one submission).

Conditions:
Catecholaminergic polymorphic ventricular tachycardia 1. Also called: RYR2-Related Catecholaminergic Polymorphic Ventricular Tachycardia; VENTRICULAR TACHYCARDIA, CATECHOLAMINERGIC POLYMORPHIC, 1, WITH OR WITHOUT ATRIAL DYSFUNCTION AND/OR DILATED CARDIOMYOPATHY; VENTRICULAR TACHYCARDIA, STRESS-INDUCED POLYMORPHIC 1. Identifiers: Orphanet 3286, MedGen C1631597, MONDO:0011484, OMIM 604772.

Submission:

Labcorp Genetics (formerly Invitae), Labcorp
Classification: Uncertain significance for Catecholaminergic polymorphic ventricular tachycardia 1. Last evaluated: 2022-03-18. Review status: criteria provided, single submitter. Criteria: Invitae Variant Classification Sherloc (09022015). Collection method: clinical testing. Allele origin: germline.
Comment: This sequence change replaces leucine, which is neutral and non-polar, with valine, which is neutral and non-polar, at codon 2399 of the RYR2 protein (p.Leu2399Val). This variant is not present in population databases (gnomAD no frequency). This variant has not been reported in the literature in individuals affected with RYR2-related conditions. ClinVar contains an entry for this variant (Variation ID: 1021265). Advanced modeling of protein sequence and biophysical properties (such as structural, functional, and spatial information, amino acid conservation, physicochemical variation, residue mobility, and thermodynamic stability) performed at Invitae indicates that this missense variant is expected to disrupt RYR2 protein function. In summary, the available evidence is currently insufficient to determine the role of this variant in disease. Therefore, it has been classified as a Variant of Uncertain Significance.